The following is an entry in ClinVar:

ClinVar aggregate classification (germline): Uncertain significance (1 of 4 stars; one submission).

Conditions:
DYRK1A-related intellectual disability syndrome (MRD7). Also called: Intellectual developmental disorder, autosomal dominant 7; DYRK1A Syndrome. Identifiers: Orphanet 464306, MedGen C5568143, MONDO:0013578, OMIM 614104.

Allele frequency attached by ClinVar (database versions not stated): gnomAD exomes 0.00001.
gnomAD v4.1: 4 of 1,614,072 alleles (0.00025%); highest among the groups gnomAD compares: Non-Finnish European, 0.00034%; no homozygotes.

Submission:

Labcorp Genetics (formerly Invitae), Labcorp
Classification: Uncertain significance for DYRK1A-related intellectual disability syndrome. Last evaluated: 2022-11-12. Review status: criteria provided, single submitter. Criteria: Invitae Variant Classification Sherloc (09022015). Collection method: clinical testing. Allele origin: germline.
Comment: Algorithms developed to predict the effect of missense changes on protein structure and function are either unavailable or do not agree on the potential impact of this missense change (SIFT: "Deleterious"; PolyPhen-2: "Benign"; Align-GVGD: "Class C0"). In summary, the available evidence is currently insufficient to determine the role of this variant in disease. Therefore, it has been classified as a Variant of Uncertain Significance. This variant has not been reported in the literature in individuals affected with DYRK1A-related conditions. This sequence change replaces leucine, which is neutral and non-polar, with serine, which is neutral and polar, at codon 598 of the DYRK1A protein (p.Leu598Ser). This variant is not present in population databases (gnomAD no frequency).

NM_001347721.2(DYRK1A):c.1766T>C (p.Leu589Ser)

Gene: DYRK1A (dual specificity tyrosine phosphorylation regulated kinase 1A; plus strand). Cytogenetic location: 21q22.13.
Variant type: single nucleotide variant.
Coding change: c.1766T>C on transcript NM_001347721.2 (MANE Select); coding-DNA position 1766, T replaced by C.
Protein change: p.Leu589Ser; replaces leucine 589 with serine.
Molecular consequence: missense variant. On other transcripts: 3 prime UTR variant (2).
Genome position (GRCh38, 1-based): chr21:37,512,032, T>C. VCF-style: chr21-37512032-T-C. GRCh37 (hg19) VCF-style: chr21-38884335-T-C.
Other names: c.1766T>C, p.Leu589Ser (NM_001347722.2, NM_130436.2); c.1679T>C, p.Leu560Ser (NM_001347723.2); c.1793T>C, p.Leu598Ser (NM_001396.5); c.*169T>C (NM_101395.2); c.*78T>C (NM_130438.2); short protein forms L560S, L598S, L589S.
Identifiers: ClinVar variation 3010050 (VCV003010050.3), dbSNP rs2518096051, ClinGen allele CA409939526.